The following is an entry in ClinVar:

NM_001348323.3(TRIP12):c.3449G>A (p.Arg1150Lys)

Gene: TRIP12 (thyroid hormone receptor interactor 12; minus strand). Cytogenetic location: 2q36.3.
Variant type: single nucleotide variant.
Coding change: c.3449G>A on transcript NM_001348323.3 (MANE Select); coding-DNA position 3449, G replaced by A.
Protein change: p.Arg1150Lys; replaces arginine 1150 with lysine.
Molecular consequence: missense variant.
Genome position (GRCh38, 1-based): chr2:229,798,908, C>T on the plus strand (G>A on the coding strand, the complement: TRIP12 is on the minus strand). VCF-style: chr2-229798908-C-T. GRCh37 (hg19) VCF-style: chr2-230663624-C-T.
Other names: c.2414G>A, p.Arg805Lys (NM_001284216.2); c.3368G>A, p.Arg1123Lys (NM_001348315.2, NM_001284214.2); c.3323G>A, p.Arg1108Lys (NM_001348316.2, NM_001348317.1, NM_001348318.2 and 1 more transcripts); c.3449G>A, p.Arg1150Lys (NM_001348319.1, NM_001348320.2, NM_001348322.1 and 4 more transcripts); c.3452G>A, p.Arg1151Lys (NM_001348321.1, NM_001348328.1, NM_001348329.2 and 1 more transcripts); c.3242G>A, p.Arg1081Lys (NM_001348331.1); c.3362G>A, p.Arg1121Lys (NM_001348332.1); c.3371G>A, p.Arg1124Lys (NM_001348333.1); and 1 more; short protein forms R1075K, R1081K, R1108K, R1121K, R1123K, R1124K, R1150K, R1151K.
Identifiers: ClinVar variation 5017261 (VCV005017261.1).

ClinVar aggregate classification (germline): Uncertain significance (1 of 4 stars; one submission).

Submission:

GeneDx
Classification: Uncertain significance. Last evaluated: 2026-03-24. Review status: criteria provided, single submitter. Criteria: GeneDx Variant Classification Process June 2021. Collection method: clinical testing. Allele origin: germline.
Comment: Not observed at significant frequency in large population cohorts (gnomAD); In silico analysis suggests that this missense variant does not alter protein structure/function; Has not been previously published as pathogenic or benign to our knowledge